The following is an entry in ClinVar:

NM_080680.3(COL11A2):c.1285-5T>G

Gene: COL11A2 (collagen type XI alpha 2 chain; minus strand). Cytogenetic location: 6p21.32.
Variant type: single nucleotide variant.
Coding change: c.1285-5T>G on transcript NM_080680.3 (MANE Select); 5 bases into the intron before coding-DNA position 1285, T replaced by G.
Molecular consequence: intron variant.
Genome position (GRCh38, 1-based): chr6:33,180,337, A>C on the plus strand (T>G on the coding strand, the complement: COL11A2 is on the minus strand). VCF-style: chr6-33180337-A-C. GRCh37 (hg19) VCF-style: chr6-33148114-A-C.
Other names: c.259-5T>G (NM_001424111.1, NM_001424110.1); c.964-5T>G (NM_080679.3); c.1027-5T>G (NM_080681.3); c.1105-5T>G (NM_001424108.1); c.439-5T>G (NM_001424109.1).
Identifiers: ClinVar variation 4733835 (VCV004733835.1).

ClinVar aggregate classification (germline): Uncertain significance (1 of 4 stars; one submission).

gnomAD v4.1: 10 of 1,611,724 alleles (0.00062%); highest among the groups gnomAD compares: Non-Finnish European, 0.00085%; no homozygotes.

Submission:

Labcorp Genetics (formerly Invitae), Labcorp
Classification: Uncertain significance. Last evaluated: 2025-12-29. Review status: criteria provided, single submitter. Criteria: Invitae Variant Classification Sherloc (09022015). Collection method: clinical testing. Allele origin: germline.
Comment: This sequence change falls in intron 11 of the COL11A2 gene. It does not directly change the encoded amino acid sequence of the COL11A2 protein. This variant is not present in population databases (gnomAD no frequency). This variant has not been reported in the literature in individuals affected with COL11A2-related conditions. Algorithms developed to predict the effect of sequence changes on RNA splicing suggest that this variant may disrupt the consensus splice site. In summary, the available evidence is currently insufficient to determine the role of this variant in disease. Therefore, it has been classified as a Variant of Uncertain Significance.